The following is an entry in ClinVar:

ClinVar aggregate classification (germline): Uncertain significance. Review status: criteria provided, multiple submitters, no conflicts (2 of 4 stars). 2 submissions from 2 submitters: Uncertain significance (2). Last evaluated 2024-08-29.

Conditions:
Hereditary nonpolyposis colorectal neoplasms. Identifiers: MedGen C0009405, MeSH D003123.

Submissions (2):

Labcorp Genetics (formerly Invitae), Labcorp
Classification: Uncertain significance for Hereditary nonpolyposis colorectal neoplasms. Last evaluated: 2024-08-29. Review status: criteria provided, single submitter. Criteria: Invitae Variant Classification Sherloc (09022015). Collection method: clinical testing. Allele origin: germline.
Comment: This sequence change replaces serine, which is neutral and polar, with cysteine, which is neutral and slightly polar, at codon 254 of the MSH6 protein (p.Ser254Cys). This variant is not present in population databases (gnomAD no frequency). This variant has not been reported in the literature in individuals affected with MSH6-related conditions. ClinVar contains an entry for this variant (Variation ID: 838310). Invitae Evidence Modeling of protein sequence and biophysical properties (such as structural, functional, and spatial information, amino acid conservation, physicochemical variation, residue mobility, and thermodynamic stability) indicates that this missense variant is not expected to disrupt MSH6 protein function with a negative predictive value of 95%. In summary, the available evidence is currently insufficient to determine the role of this variant in disease. Therefore, it has been classified as a Variant of Uncertain Significance.

GeneDx
Classification: Uncertain significance. Last evaluated: 2021-11-10. Review status: criteria provided, single submitter. Criteria: GeneDx Variant Classification Process June 2021. Collection method: clinical testing. Allele origin: germline. Affected: yes.
Comment: Not observed at significant frequency in large population cohorts (Lek 2016); In silico analysis supports that this missense variant has a deleterious effect on protein structure/function; Has not been previously published as pathogenic or benign to our knowledge

NM_000179.3(MSH6):c.761C>G (p.Ser254Cys)

Gene: MSH6 (mutS homolog 6; plus strand). Cytogenetic location: 2p16.3.
Variant type: single nucleotide variant.
Coding change: c.761C>G on transcript NM_000179.3 (MANE Select); coding-DNA position 761, C replaced by G.
Protein change: p.Ser254Cys; replaces serine 254 with cysteine.
Molecular consequence: missense variant. On other transcripts: 5 prime UTR variant (2).
Genome position (GRCh38, 1-based): chr2:47,798,744, C>G. VCF-style: chr2-47798744-C-G. GRCh37 (hg19) VCF-style: chr2-48025883-C-G.
Other names: c.371C>G, p.Ser124Cys (NM_001281492.2); c.-146C>G (NM_001281493.2, NM_001281494.2); short protein forms S254C, S124C.
Identifiers: ClinVar variation 838310 (VCV000838310.12), dbSNP rs876659191, ClinGen allele CA346740166.
Genomic context (GRCh38, chr2:47,798,744, plus strand): 5'-AGACACAAGGATCTAGGCGAAGTAGCCGCCAAATAAAAAAACGAAGGGTCATATCAGATT[C>G]TGAGAGTGACATTGGTGGCTCTGATGTGGAATTTAAGCCAGACACTAAGGAGGAAGGAAG-3'
Protein context (NP_000170.1, residues 244-264): QIKKRRVISD[Ser254Cys]ESDIGGSDVE